The following is an entry in ClinVar:

ClinVar aggregate classification (germline): Uncertain significance. Review status: criteria provided, multiple submitters, no conflicts (2 of 4 stars). 4 submissions from 4 submitters: Uncertain significance (4). Last evaluated 2025-10-06.

Conditions:
Inborn genetic diseases. Identifiers: MedGen C0950123, MeSH D030342.
ETV6-related disorder. Also called: ETV6-related condition.

Allele frequency attached by ClinVar (database versions not stated): gnomAD exomes 0.00001 and 0.00003; TOPMed 0.00001; ExAC 0.00002.

Submissions (4):

PreventionGenetics, part of Exact Sciences
Classification: Uncertain significance for ETV6-related condition. Last evaluated: 2025-10-06. Review status: criteria provided, single submitter. Criteria: ACMG Guidelines, 2015. Collection method: clinical testing. Allele origin: germline.
Comment: The ETV6 c.631C>T variant is predicted to result in the amino acid substitution p.Arg211Cys. To our knowledge, this variant has not been reported in the literature. This variant is reported in 0.0097% of alleles in individuals of Ashkenazi Jewish descent in gnomAD. At this time, the clinical significance of this variant is uncertain due to the absence of conclusive functional and genetic evidence.

Ambry Genetics
Classification: Uncertain significance for Inborn genetic diseases. Last evaluated: 2024-11-24. Review status: criteria provided, single submitter. Criteria: Ambry Variant Classification Scheme 2023. Collection method: clinical testing. Allele origin: germline.
Comment: The p.R211C variant (also known as c.631C>T), located in coding exon 5 of the ETV6 gene, results from a C to T substitution at nucleotide position 631. The arginine at codon 211 is replaced by cysteine, an amino acid with highly dissimilar properties. This amino acid position is conserved. In addition, this alteration is predicted to be tolerated by in silico analysis. Based on the available evidence, the clinical significance of this variant remains unclear.

Labcorp Genetics (formerly Invitae), Labcorp
Classification: Uncertain significance. Last evaluated: 2024-10-30. Review status: criteria provided, single submitter. Criteria: Invitae Variant Classification Sherloc (09022015). Collection method: clinical testing. Allele origin: germline.
Comment: This sequence change replaces arginine, which is basic and polar, with cysteine, which is neutral and slightly polar, at codon 211 of the ETV6 protein (p.Arg211Cys). This variant is present in population databases (rs753422664, gnomAD 0.01%). This variant has not been reported in the literature in individuals affected with ETV6-related conditions. ClinVar contains an entry for this variant (Variation ID: 1334329). Invitae Evidence Modeling of protein sequence and biophysical properties (such as structural, functional, and spatial information, amino acid conservation, physicochemical variation, residue mobility, and thermodynamic stability) indicates that this missense variant is not expected to disrupt ETV6 protein function with a negative predictive value of 80%. In summary, the available evidence is currently insufficient to determine the role of this variant in disease. Therefore, it has been classified as a Variant of Uncertain Significance.

GeneDx
Classification: Uncertain significance. Last evaluated: 2023-11-21. Review status: criteria provided, single submitter. Criteria: GeneDx Variant Classification Process June 2021. Collection method: clinical testing. Allele origin: germline. Affected: yes.
Comment: In silico analysis supports that this missense variant does not alter protein structure/function; Has not been previously published as pathogenic or benign to our knowledge; This variant is associated with the following publications: (PMID: 28555414, 28637624)

NM_001987.5(ETV6):c.631C>T (p.Arg211Cys)

Gene: ETV6 (ETS variant transcription factor 6; plus strand). Cytogenetic location: 12p13.2.
Variant type: single nucleotide variant.
Coding change: c.631C>T on transcript NM_001987.5 (MANE Select); coding-DNA position 631, C replaced by T.
Protein change: p.Arg211Cys; replaces arginine 211 with cysteine.
Molecular consequence: missense variant.
Genome position (GRCh38, 1-based): chr12:11,869,591, C>T. VCF-style: chr12-11869591-C-T. GRCh37 (hg19) VCF-style: chr12-12022525-C-T.
Other names: short protein forms R211C.
Identifiers: ClinVar variation 1334329 (VCV001334329.8), dbSNP rs753422664, ClinGen allele CA6454308.